The following is an entry in ClinVar:

NM_000203.5(IDUA):c.1651G>C (p.Val551Leu)

Gene: IDUA (alpha-L-iduronidase; plus strand). Cytogenetic location: 4p16.3.
Variant type: single nucleotide variant.
Coding change: c.1651G>C on transcript NM_000203.5 (MANE Select); coding-DNA position 1651, G replaced by C.
Protein change: p.Val551Leu; replaces valine 551 with leucine.
Molecular consequence: missense variant. On other transcripts: non-coding transcript variant (1).
Genome position (GRCh38, 1-based): chr4:1,003,549, G>C. VCF-style: chr4-1003549-G-C. GRCh37 (hg19) VCF-style: chr4-997337-G-C.
Other names: c.1255G>C, p.Val419Leu (NM_001363576.1); short protein forms V551L, V419L.
Identifiers: ClinVar variation 1410776 (VCV001410776.7), dbSNP rs778877259, ClinGen allele CA2802341.

ClinVar aggregate classification (germline): Uncertain significance. Review status: criteria provided, multiple submitters, no conflicts (2 of 4 stars). 2 submissions from 2 submitters: Uncertain significance (2). Last evaluated 2022-02-18.

Conditions:
Mucopolysaccharidosis type 1. Also called: IDUA deficiency; MPS I. Identifiers: Orphanet 579, MedGen C0023786, MONDO:0001586.

Allele frequency attached by ClinVar (database versions not stated): gnomAD 0.00001; TOPMed 0.00001; ExAC 0.00002.
gnomAD v4.1: 6 of 1,611,520 alleles (0.00037%); highest among the groups gnomAD compares: Admixed American, 0.0083%; no homozygotes.

Submissions (2):

Labcorp Genetics (formerly Invitae), Labcorp
Classification: Uncertain significance for Mucopolysaccharidosis type 1. Last evaluated: 2022-02-18. Review status: criteria provided, single submitter. Criteria: Invitae Variant Classification Sherloc (09022015). Collection method: clinical testing. Allele origin: germline.
Comment: This sequence change replaces valine, which is neutral and non-polar, with leucine, which is neutral and non-polar, at codon 551 of the IDUA protein (p.Val551Leu). This variant is present in population databases (rs778877259, gnomAD 0.01%). This variant has not been reported in the literature in individuals affected with IDUA-related conditions. Algorithms developed to predict the effect of missense changes on protein structure and function are either unavailable or do not agree on the potential impact of this missense change (SIFT: "Tolerated"; PolyPhen-2: "Probably Damaging"; Align-GVGD: "Class C0"). Algorithms developed to predict the effect of sequence changes on RNA splicing suggest that this variant may disrupt the consensus splice site. In summary, the available evidence is currently insufficient to determine the role of this variant in disease. Therefore, it has been classified as a Variant of Uncertain Significance.

Revvity Omics, Revvity
Classification: Uncertain significance. Last evaluated: 2021-09-07. Review status: criteria provided, single submitter. Criteria: ACMG Guidelines, 2015. Collection method: clinical testing. Allele origin: germline.